The following is an entry in ClinVar:

ClinVar aggregate classification (germline): Uncertain significance. Review status: criteria provided, multiple submitters, no conflicts (2 of 4 stars). 2 submissions from 2 submitters: Uncertain significance (2). Last evaluated 2023-11-27.

Conditions:
Inborn genetic diseases. Identifiers: MedGen C0950123, MeSH D030342.

Allele frequency attached by ClinVar (database versions not stated): gnomAD 0.00002 and 0.00003; TOPMed 0.00002; ExAC 0.00007; gnomAD exomes 0.00007; ESP Exome Variant Server 0.00008; 1000 Genomes Project 30x 0.00016; 1000 Genomes Project 0.00020.
gnomAD v4.1: 45 of 1,613,934 alleles (0.0028%); highest among the groups gnomAD compares: South Asian, 0.029%; no homozygotes.

Submissions (2):

Labcorp Genetics (formerly Invitae), Labcorp
Classification: Uncertain significance. Last evaluated: 2023-11-27. Review status: criteria provided, single submitter. Criteria: Invitae Variant Classification Sherloc (09022015). Collection method: clinical testing. Allele origin: germline.
Comment: This sequence change replaces arginine, which is basic and polar, with glutamine, which is neutral and polar, at codon 548 of the SLC24A1 protein (p.Arg548Gln). This variant is present in population databases (rs201522480, gnomAD 0.05%). This variant has not been reported in the literature in individuals affected with SLC24A1-related conditions. ClinVar contains an entry for this variant (Variation ID: 1046382). Algorithms developed to predict the effect of missense changes on protein structure and function output the following: SIFT: "Not Available"; PolyPhen-2: "Possibly Damaging"; Align-GVGD: "Not Available". The glutamine amino acid residue is found in multiple mammalian species, which suggests that this missense change does not adversely affect protein function. In summary, the available evidence is currently insufficient to determine the role of this variant in disease. Therefore, it has been classified as a Variant of Uncertain Significance.

Ambry Genetics
Classification: Uncertain significance for Inborn genetic diseases. Last evaluated: 2022-06-24. Review status: criteria provided, single submitter. Criteria: Ambry Variant Classification Scheme 2023. Collection method: clinical testing. Allele origin: germline.

NM_004727.3(SLC24A1):c.1643G>A (p.Arg548Gln)

Gene: SLC24A1 (solute carrier family 24 member 1; plus strand). Cytogenetic location: 15q22.31.
Variant type: single nucleotide variant.
Coding change: c.1643G>A on transcript NM_004727.3 (MANE Select); coding-DNA position 1643, G replaced by A.
Protein change: p.Arg548Gln; replaces arginine 548 with glutamine.
Molecular consequence: missense variant.
Genome position (GRCh38, 1-based): chr15:65,625,723, G>A. VCF-style: chr15-65625723-G-A. GRCh37 (hg19) VCF-style: chr15-65918061-G-A.
Other names: c.1643G>A, p.Arg548Gln (NM_001301031.1, NM_001301032.1, NM_001301033.2); c.1643G>A (NM_004727.2); short protein forms R548Q.
Identifiers: ClinVar variation 1046382 (VCV001046382.11), dbSNP rs201522480, ClinGen allele CA7619947.